The following is an entry in ClinVar:

ClinVar aggregate classification (germline): Uncertain significance (1 of 4 stars; one submission).

Conditions:
FG syndrome (FGS). Identifiers: MedGen C0220769, MONDO:0002010.

Submission:

Labcorp Genetics (formerly Invitae), Labcorp
Classification: Uncertain significance for FG syndrome. Last evaluated: 2025-06-17. Review status: criteria provided, single submitter. Criteria: Invitae Variant Classification Sherloc (09022015). Collection method: clinical testing. Allele origin: germline.
Comment: This variant, c.6339_6368del, results in the deletion of 10 amino acid(s) of the MED12 protein (p.Gln2114_Gln2123del), but otherwise preserves the integrity of the reading frame. This variant is not present in population databases (gnomAD no frequency). This variant has not been reported in the literature in individuals affected with MED12-related conditions. Experimental studies and prediction algorithms are not available or were not evaluated, and the functional significance of this variant is currently unknown. In summary, the available evidence is currently insufficient to determine the role of this variant in disease. Therefore, it has been classified as a Variant of Uncertain Significance.

NM_005120.3(MED12):c.6339_6368del (p.Gln2114_Gln2123del)

Gene: MED12 (mediator complex subunit 12; plus strand). Cytogenetic location: Xq13.1.
Variant type: Deletion.
Coding change: c.6339_6368del on transcript NM_005120.3 (MANE Select); coding-DNA positions 6339 to 6368, 30 bases deleted (ACAGCAACACCAGCAGCAACAGCAGCAACA).
Protein change: p.Gln2114_Gln2123del.
Genome position (GRCh38, 1-based): chrX:71,141,301-71,141,330, ACAGCAACACCAGCAGCAACAGCAGCAACA deleted; deleting any 30 consecutive bases within chrX:71,141,293-71,141,330 gives the same sequence; the c. name uses the placement nearest the transcript's 3' end. VCF-style (leftmost placement, unchanged base first): chrX-71141292-ACAGCAACAACAGCAACACCAGCAGCAACAG-A. GRCh37 (hg19) VCF-style: chrX-70361142-ACAGCAACAACAGCAACACCAGCAGCAACAG-A.
Identifiers: ClinVar variation 4806670 (VCV004806670.1).